The following is an entry in ClinVar:

NM_000179.3(MSH6):c.2271C>A (p.Thr757=)

Gene: MSH6 (mutS homolog 6; plus strand). Cytogenetic location: 2p16.3.
Variant type: single nucleotide variant.
Coding change: c.2271C>A on transcript NM_000179.3 (MANE Select); coding-DNA position 2271, C replaced by A.
Protein change: p.Thr757=; no amino-acid change (threonine 757 retained).
Molecular consequence: synonymous variant. On other transcripts: non-coding transcript variant (5), intron variant (2).
Genome position (GRCh38, 1-based): chr2:47,800,254, C>A. VCF-style: chr2-47800254-C-A. GRCh37 (hg19) VCF-style: chr2-48027393-C-A.
Other names: c.1365C>A, p.Thr455= (NM_001281494.2, NM_001406811.1, NM_001406812.1 and 6 more transcripts); c.2367C>A, p.Thr789= (NM_001406795.1, NM_001406802.1); c.2271C>A, p.Thr757= (NM_001406796.1, NM_001406798.1, NM_001406800.1 and 3 more transcripts); c.1974C>A, p.Thr658= (NM_001406797.1, NM_001406801.1, NM_001406805.1 and 10 more transcripts); c.1746C>A, p.Thr582= (NM_001406799.1, NM_001406806.1, NM_001406807.1); c.2193C>A, p.Thr731= (NM_001406804.1); c.2277C>A, p.Thr759= (NM_001406813.1); c.2103C>A, p.Thr701= (NM_001406826.1); and 3 more.
Identifiers: ClinVar variation 3699669 (VCV003699669.3).

ClinVar aggregate classification (germline): Benign/Likely benign. Review status: criteria provided, multiple submitters, no conflicts (2 of 4 stars). 2 submissions from 2 submitters: Benign (1); Likely benign (1). Last evaluated 2024-12-30.

Conditions:
Hereditary nonpolyposis colorectal neoplasms. Identifiers: MedGen C0009405, MeSH D003123.
Lynch syndrome 5 (LYNCH5). Also called: Colorectal cancer, hereditary nonpolyposis, type 5; Hereditary non-polyposis colorectal cancer, type 5. Identifiers: Orphanet 144, MedGen C1833477, MONDO:0013710, OMIM 614350. Disease mechanism: loss of function.

Submissions (2):

Myriad Genetics, Inc.
Classification: Benign for Lynch syndrome 5. Last evaluated: 2024-12-30. Review status: criteria provided, single submitter. Criteria: Myriad Autosomal Dominant, Autosomal Recessive and X-Linked Classification Criteria (2023). Collection method: clinical testing. Allele origin: unknown.
Comment: This variant is considered benign. This variant is a silent/synonymous amino acid change and it is not expected to impact splicing.

Labcorp Genetics (formerly Invitae), Labcorp
Classification: Likely benign for Hereditary nonpolyposis colorectal neoplasms. Last evaluated: 2024-03-06. Review status: criteria provided, single submitter. Criteria: Invitae Variant Classification Sherloc (09022015). Collection method: clinical testing. Allele origin: germline.